The following is an entry in ClinVar:

ClinVar aggregate classification (germline): Uncertain significance (1 of 4 stars; one submission).

Conditions:
Charcot-Marie-Tooth disease type 4. Also called: Charcot-Marie-Tooth disease, type IV; Charcot-Marie-Tooth, Type 4. Identifiers: Orphanet 64749, MedGen C4082197, MONDO:0018995.

Allele frequency attached by ClinVar (database versions not stated): gnomAD exomes 0.00001; ExAC 0.00004; ESP Exome Variant Server 0.00008.
gnomAD v4.1: 16 of 1,578,520 alleles (0.001%); highest among the groups gnomAD compares: Non-Finnish European, 0.0012%; no homozygotes.

Submission:

Labcorp Genetics (formerly Invitae), Labcorp
Classification: Uncertain significance for Charcot-Marie-Tooth disease type 4. Last evaluated: 2022-07-15. Review status: criteria provided, single submitter. Criteria: Invitae Variant Classification Sherloc (09022015). Collection method: clinical testing. Allele origin: germline.
Comment: This sequence change replaces arginine, which is basic and polar, with glycine, which is neutral and non-polar, at codon 21 of the FIG4 protein (p.Arg21Gly). This variant is not present in population databases (gnomAD no frequency). This variant has not been reported in the literature in individuals affected with FIG4-related conditions. Algorithms developed to predict the effect of missense changes on protein structure and function are either unavailable or do not agree on the potential impact of this missense change (SIFT: "Deleterious"; PolyPhen-2: "Benign"; Align-GVGD: "Class C0"). In summary, the available evidence is currently insufficient to determine the role of this variant in disease. Therefore, it has been classified as a Variant of Uncertain Significance.

NM_014845.6(FIG4):c.61A>G (p.Arg21Gly)

Gene: FIG4 (FIG4 phosphoinositide 5-phosphatase; plus strand). Cytogenetic location: 6q21.
Variant type: single nucleotide variant.
Coding change: c.61A>G on transcript NM_014845.6 (MANE Select); coding-DNA position 61, A replaced by G.
Protein change: p.Arg21Gly; replaces arginine 21 with glycine.
Molecular consequence: missense variant.
Genome position (GRCh38, 1-based): chr6:109,691,496, A>G. VCF-style: chr6-109691496-A-G. GRCh37 (hg19) VCF-style: chr6-110012699-A-G.
Other names: short protein forms R21G.
Identifiers: ClinVar variation 2055623 (VCV002055623.1), dbSNP rs144593588, ClinGen allele CA3955645.
Genomic context (GRCh38, chr6:109,691,496, plus strand): 5'-ATGCCCACGGCCGCCGCCCCCATCATCAGCTCGGTCCAGAAGCTGGTTCTGTATGAGACT[A>G]GAGCTGTGAGTACCCCCTCGCGGCGGGGCGCAGGCGGGAGGATGGATGTCTGCCGGTGGG-3'
Protein context (NP_055660.1, residues 11-31): SVQKLVLYET[Arg21Gly]ARYFLVGSNN